The following is an entry in ClinVar:

NM_017780.4(CHD7):c.1727C>T (p.Pro576Leu)

Genes: CHD7 (chromodomain helicase DNA binding protein 7; plus strand), LOC126860403 (CDK7 strongly-dependent group 2 enhancer GRCh37_chr8:61693034-61694233; plus strand). Cytogenetic location: 8q12.2.
Variant type: single nucleotide variant.
Coding change: c.1727C>T on transcript NM_017780.4 (MANE Select); coding-DNA position 1727, C replaced by T.
Protein change: p.Pro576Leu; replaces proline 576 with leucine.
Molecular consequence: missense variant. On other transcripts: intron variant (1).
Genome position (GRCh38, 1-based): chr8:60,781,061, C>T. VCF-style: chr8-60781061-C-T. GRCh37 (hg19) VCF-style: chr8-61693620-C-T.
Other names: c.1716+11C>T (NM_001316690.1); short protein forms P576L.
Identifiers: ClinVar variation 529139 (VCV000529139.16), dbSNP rs746633621, ClinGen allele CA4759563.
Genomic context (GRCh38, chr8:60,781,061, plus strand): 5'-ATTCCCCGTCGGAGCCCTTTCTAGAGAAACCAGTGCCGGATATGACTCAGGTTAGTGGAC[C>T]GAATGCTCAGCTAGTGAAGAGTGATGATTACCTGCCATCAATAGAACAGCAGCCACAACA-3'
Protein context (NP_060250.2, residues 566-586): PVPDMTQVSG[Pro576Leu]NAQLVKSDDY

ClinVar aggregate classification (germline): Conflicting classifications of pathogenicity. Review status: criteria provided, conflicting classifications (1 of 4 stars). 4 submissions from 4 submitters: Uncertain significance (3); Benign (1). Last evaluated 2026-02-07.

Conditions:
CHD7-related disorder. Also called: CHD7-related condition.
Hypogonadotropic hypogonadism 5 with or without anosmia (KAL5). Also called: HYPOGONADOTROPIC HYPOGONADISM 5 WITH ANOSMIA; HYPOGONADOTROPHIC HYPOGONADISM 5 WITHOUT ANOSMIA; CHD7-Related GnRH Deficiency (Kallmann Syndrome 5). Identifiers: Orphanet 478, MedGen C3552553, MONDO:0012880, OMIM 612370. Disease mechanism: loss of function.
CHARGE syndrome (CHARGE). Also called: Hittner Hirsch Kreh syndrome; Coloboma, heart anomaly, choanal atresia, retardation, genital and ear anomalies; CHARGE association; Hall-Hittner syndrome; CHARGE ASSOCIATION--COLOBOMA, HEART ANOMALY, CHOANAL ATRESIA, RETARDATION, GENITAL AND EAR ANOMALIES. Identifiers: Orphanet 138, MedGen C0265354, MONDO:0008965.

Allele frequency attached by ClinVar (database versions not stated): ExAC 0.00003; gnomAD exomes 0.00003 and 0.00004; TOPMed 0.00003; gnomAD 0.00004.
gnomAD v4.1: 44 of 1,609,328 alleles (0.0027%); highest among the groups gnomAD compares: Admixed American, 0.0067%; no homozygotes.

Submissions (4):

PreventionGenetics, part of Exact Sciences
Classification: Uncertain significance for CHD7-related condition. Last evaluated: 2026-02-07. Review status: criteria provided, single submitter. Criteria: ACMG Guidelines, 2015. Collection method: clinical testing. Allele origin: germline.
Comment: The CHD7 c.1727C>T variant is predicted to result in the amino acid substitution p.Pro576Leu. This variant has been reported in a cohort of individuals presenting with isolated hypogonadotropic hypogonadism (Supplemental Table 3, Zhou et al. 2018. PubMed ID: 30098700). This variant is reported in 0.0059% of alleles in individuals of Latino descent in gnomAD. In the gnomAD v4 database reporting variants in hg38, this variant has been reported in 44 heterozygous individuals. At this time, the clinical significance of this variant is uncertain due to the absence of conclusive functional and genetic evidence.

Labcorp Genetics (formerly Invitae), Labcorp
Classification: Benign for CHARGE syndrome. Last evaluated: 2025-10-26. Review status: criteria provided, single submitter. Criteria: Invitae Variant Classification Sherloc (09022015). Collection method: clinical testing. Allele origin: germline.

Fulgent Genetics
Classification: Uncertain significance for CHD7-related CHARGE syndrome; Hypogonadotropic hypogonadism 5 with or without anosmia. Last evaluated: 2021-08-16. Review status: criteria provided, single submitter. Criteria: ACMG Guidelines, 2015. Collection method: clinical testing. Allele origin: unknown.

GeneDx
Classification: Uncertain significance. Last evaluated: 2019-05-14. Review status: criteria provided, single submitter. Criteria: GeneDx Variant Classification Process June 2021. Collection method: clinical testing. Allele origin: germline. Affected: yes.
Comment: In silico analysis, which includes protein predictors and evolutionary conservation, supports that this variant does not alter protein structure/function; This variant is associated with the following publications: (PMID: 30098700)